The following is an entry in ClinVar:

ClinVar aggregate classification (germline): Uncertain significance (1 of 4 stars; one submission).

Conditions:
Hereditary cancer-predisposing syndrome. Also called: Tumor predisposition; Neoplastic Syndromes, Hereditary; Hereditary Cancer Syndrome; Hereditary neoplastic syndrome. Identifiers: Orphanet 140162, MedGen C0027672, MeSH D009386, MONDO:0015356.

Submission:

Ambry Genetics
Classification: Uncertain significance for Hereditary cancer-predisposing syndrome. Last evaluated: 2024-07-24. Review status: criteria provided, single submitter. Criteria: Ambry Variant Classification Scheme 2023. Collection method: clinical testing. Allele origin: germline.
Comment: The p.G79R variant (also known as c.235G>C), located in coding exon 3 of the EPCAM gene, results from a G to C substitution at nucleotide position 235. The glycine at codon 79 is replaced by arginine, an amino acid with dissimilar properties. This amino acid position is conserved. In addition, this alteration is predicted to be tolerated by in silico analysis. Based on the available evidence, the clinical significance of this variant remains unclear.

NM_002354.3(EPCAM):c.235G>C (p.Gly79Arg)

Gene: EPCAM (epithelial cell adhesion molecule; plus strand). Cytogenetic location: 2p21.
Variant type: single nucleotide variant.
Coding change: c.235G>C on transcript NM_002354.3 (MANE Select); coding-DNA position 235, G replaced by C.
Protein change: p.Gly79Arg; replaces glycine 79 with arginine.
Molecular consequence: missense variant.
Genome position (GRCh38, 1-based): chr2:47,373,858, G>C. VCF-style: chr2-47373858-G-C. GRCh37 (hg19) VCF-style: chr2-47600997-G-C.
Other names: short protein forms G79R.
Identifiers: ClinVar variation 3509172 (VCV003509172.1).
Genomic context (GRCh38, chr2:47,373,858, plus strand): 5'-TCTTTTTCAGTGGCTGCCAAATGTTTGGTGATGAAGGCAGAAATGAATGGCTCAAAACTT[G>C]GGAGAAGAGCAAAACCTGAAGGGGCCCTCCAGAACAATGATGGGCTTTATGATCCTGACT-3'
Protein context (NP_002345.2, residues 69-89): MKAEMNGSKL[Gly79Arg]RRAKPEGALQ